The following is an entry in ClinVar:

ClinVar aggregate classification (germline): Uncertain significance. Review status: criteria provided, multiple submitters, no conflicts (2 of 4 stars). 2 submissions from 2 submitters: Uncertain significance (2). Last evaluated 2025-12-01.

Conditions:
Inborn genetic diseases. Identifiers: MedGen C0950123, MeSH D030342.

Allele frequency attached by ClinVar (database versions not stated): gnomAD exomes 0.00001; gnomAD 0.00002; ExAC 0.00003; TOPMed below 0.00001.
gnomAD v4.1: 38 of 1,609,308 alleles (0.0024%); highest among the groups gnomAD compares: African/African-American, 0.004%; no homozygotes.

Submissions (2):

Labcorp Genetics (formerly Invitae), Labcorp
Classification: Uncertain significance. Last evaluated: 2025-12-01. Review status: criteria provided, single submitter. Criteria: Invitae Variant Classification Sherloc (09022015). Collection method: clinical testing. Allele origin: germline.
Comment: This sequence change replaces valine, which is neutral and non-polar, with isoleucine, which is neutral and non-polar, at codon 845 of the RNF216 protein (p.Val845Ile). This variant is present in population databases (rs761527954, gnomAD 0.004%). This variant has not been reported in the literature in individuals affected with RNF216-related conditions. ClinVar contains an entry for this variant (Variation ID: 1450357). An algorithm developed to predict the effect of missense changes on protein structure and function (PolyPhen-2) suggests that this variant is likely to be tolerated. In summary, the available evidence is currently insufficient to determine the role of this variant in disease. Therefore, it has been classified as a Variant of Uncertain Significance.

Ambry Genetics
Classification: Uncertain significance for Inborn genetic diseases. Last evaluated: 2025-10-07. Review status: criteria provided, single submitter. Criteria: Ambry Variant Classification Scheme 2023. Collection method: clinical testing. Allele origin: germline.

NM_207111.4(RNF216):c.2533G>A (p.Val845Ile)

Gene: RNF216 (ring finger protein 216; minus strand). Cytogenetic location: 7p22.1.
Variant type: single nucleotide variant.
Coding change: c.2533G>A on transcript NM_207111.4 (MANE Select); coding-DNA position 2533, G replaced by A.
Protein change: p.Val845Ile; replaces valine 845 with isoleucine.
Molecular consequence: missense variant.
Genome position (GRCh38, 1-based): chr7:5,623,099, C>T on the plus strand (G>A on the coding strand, the complement: RNF216 is on the minus strand). VCF-style: chr7-5623099-C-T. GRCh37 (hg19) VCF-style: chr7-5662730-C-T.
Other names: c.2362G>A, p.Val788Ile (NM_001377156.1, NM_207116.3); c.2533G>A (NM_207111.3); short protein forms V845I, V788I.
Identifiers: ClinVar variation 1450357 (VCV001450357.8), dbSNP rs761527954, ClinGen allele CA4147768.
Genomic context (GRCh38, chr7:5,623,099, plus strand): 5'-GGAAGGGTGGGTGCGCGAAGGCATAGGGTGGCATCTGTGGCTGTGGCAGGTTCTGCGGAA[C>T]GGGCCTCGGGAGGGCCTCCACCCTCTGCACCTTCTCCACAGGCTTCTCCAGCGGGGGTCC-3'
Protein context (NP_996994.1, residues 835-855): VQRVEALPRP[Val845Ile]PQNLPQPQMP